The following is an entry in ClinVar:

NM_001283009.2(RTEL1):c.2344C>G (p.Pro782Ala)

Genes: RTEL1 (regulator of telomere elongation helicase 1; plus strand), RTEL1-TNFRSF6B (RTEL1-TNFRSF6B readthrough (NMD candidate); plus strand). Cytogenetic location: 20q13.33.
Variant type: single nucleotide variant.
Coding change: c.2344C>G on transcript NM_001283009.2 (MANE Select); coding-DNA position 2344, C replaced by G.
Protein change: p.Pro782Ala; replaces proline 782 with alanine.
Molecular consequence: missense variant. On other transcripts: non-coding transcript variant (1).
Genome position (GRCh38, 1-based): chr20:63,690,372, C>G. VCF-style: chr20-63690372-C-G. GRCh37 (hg19) VCF-style: chr20-62321725-C-G.
Other names: c.1675C>G, p.Pro559Ala (NM_001283010.1); c.2344C>G, p.Pro782Ala (NM_016434.4); c.2416C>G, p.Pro806Ala (NM_032957.5); short protein forms P559A, P782A, P806A.
Identifiers: ClinVar variation 3791046 (VCV003791046.1).
Genomic context (GRCh38, chr20:63,690,372, plus strand): 5'-CGGGCTACAGCACCCAGTGTGCGTGGAGAAGATGCTGTCAGCGAGGCCAAGTCGCCTGGC[C>G]CCTTCTTCTCCACCAGGAAAGCTAAGAGTCTGGACCTGCATGTCCCCAGCCTGAAGCAGA-3'
Protein context (NP_001269938.1, residues 772-792): DAVSEAKSPG[Pro782Ala]FFSTRKAKSL

ClinVar aggregate classification (germline): Uncertain significance (1 of 4 stars; one submission).

Conditions:
Inborn genetic diseases. Identifiers: MedGen C0950123, MeSH D030342.

gnomAD v4.1: 1 of 1,611,772 alleles (0.000062%); highest among the groups gnomAD compares: Non-Finnish European, 0.000085%; no homozygotes.

Submission:

Ambry Genetics
Classification: Uncertain significance for Inborn genetic diseases. Last evaluated: 2025-01-08. Review status: criteria provided, single submitter. Criteria: Ambry Variant Classification Scheme 2023. Collection method: clinical testing. Allele origin: germline.
Comment: The p.P782A variant (also known as c.2344C>G), located in coding exon 25 of the RTEL1 gene, results from a C to G substitution at nucleotide position 2344. The proline at codon 782 is replaced by alanine, an amino acid with highly similar properties. This amino acid position is conserved. In addition, this alteration is predicted to be tolerated by in silico analysis. Based on the available evidence, the clinical significance of this variant remains unclear.